The following is an entry in ClinVar:

NM_031471.6(FERMT3):c.1841A>G (p.Asn614Ser)

Gene: FERMT3 (FERM domain containing kindlin 3; plus strand). Cytogenetic location: 11q13.1.
Variant type: single nucleotide variant.
Coding change: c.1841A>G on transcript NM_031471.6 (MANE Select); coding-DNA position 1841, A replaced by G.
Protein change: p.Asn614Ser; replaces asparagine 614 with serine.
Molecular consequence: missense variant.
Genome position (GRCh38, 1-based): chr11:64,223,341, A>G. VCF-style: chr11-64223341-A-G. GRCh37 (hg19) VCF-style: chr11-63990813-A-G.
Other names: c.1841A>G, p.Asn614Ser (NM_001382361.1, NM_001382448.1); c.1853A>G, p.Asn618Ser (NM_001382362.1, NM_178443.3); c.1301A>G, p.Asn434Ser (NM_001382363.1); c.1313A>G, p.Asn438Ser (NM_001382364.1); short protein forms N618S, N614S, N434S, N438S.
Identifiers: ClinVar variation 470172 (VCV000470172.9), dbSNP rs1337201735, ClinGen allele CA381090405.

ClinVar aggregate classification (germline): Uncertain significance (1 of 4 stars; one submission).

Conditions:
Leukocyte adhesion deficiency 3. Also called: INTEGRIN ACTIVATION DEFICIENCY DISEASE; LEUKOCYTE ADHESION DEFICIENCY 1 VARIANT; Leukocyte adhesion deficiency, type III. Identifiers: Orphanet 2968, Orphanet 99844, MedGen C2748536, MONDO:0013016, OMIM 612840.

Allele frequency attached by ClinVar (database versions not stated): gnomAD exomes below 0.00001; TOPMed below 0.00001; gnomAD 0.00001.
gnomAD v4.1: 2 of 1,613,970 alleles (0.00012%); highest among the groups gnomAD compares: Non-Finnish European, 0.00017%; no homozygotes.

Submission:

Labcorp Genetics (formerly Invitae), Labcorp
Classification: Uncertain significance for Leukocyte adhesion deficiency 3. Last evaluated: 2025-10-21. Review status: criteria provided, single submitter. Criteria: Invitae Variant Classification Sherloc (09022015). Collection method: clinical testing. Allele origin: germline.
Comment: This sequence change replaces asparagine, which is neutral and polar, with serine, which is neutral and polar, at codon 614 of the FERMT3 protein (p.Asn614Ser). This variant is not present in population databases (gnomAD no frequency). This variant has not been reported in the literature in individuals affected with FERMT3-related conditions. ClinVar contains an entry for this variant (Variation ID: 470172). Invitae Evidence Modeling of protein sequence and biophysical properties (such as structural, functional, and spatial information, amino acid conservation, physicochemical variation, residue mobility, and thermodynamic stability) indicates that this missense variant is not expected to disrupt FERMT3 protein function with a negative predictive value of 80%. In summary, the available evidence is currently insufficient to determine the role of this variant in disease. Therefore, it has been classified as a Variant of Uncertain Significance.